The following is an entry in ClinVar:

NM_001008537.3(NEXMIF):c.1402A>T (p.Asn468Tyr)

Gene: NEXMIF (neurite extension and migration factor; minus strand). Cytogenetic location: Xq13.3.
Variant type: single nucleotide variant.
Coding change: c.1402A>T on transcript NM_001008537.3 (MANE Select); coding-DNA position 1402, A replaced by T.
Protein change: p.Asn468Tyr; replaces asparagine 468 with tyrosine.
Molecular consequence: missense variant.
Genome position (GRCh38, 1-based): chrX:74,743,155, T>A on the plus strand (A>T on the coding strand, the complement: NEXMIF is on the minus strand). VCF-style: chrX-74743155-T-A. GRCh37 (hg19) VCF-style: chrX-73962990-T-A.
Other names: short protein forms N468Y.
Identifiers: ClinVar variation 2718906 (VCV002718906.3), dbSNP rs2519915427, ClinGen allele CA413670585.

ClinVar aggregate classification (germline): Uncertain significance (1 of 4 stars; one submission).

Submission:

Labcorp Genetics (formerly Invitae), Labcorp
Classification: Uncertain significance. Last evaluated: 2023-10-04. Review status: criteria provided, single submitter. Criteria: Invitae Variant Classification Sherloc (09022015). Collection method: clinical testing. Allele origin: germline.
Comment: This sequence change replaces asparagine, which is neutral and polar, with tyrosine, which is neutral and polar, at codon 468 of the NEXMIF protein (p.Asn468Tyr). This variant is not present in population databases (gnomAD no frequency). This variant has not been reported in the literature in individuals affected with NEXMIF-related conditions. An algorithm developed to predict the effect of missense changes on protein structure and function (PolyPhen-2) suggests that this variant is likely to be disruptive. In summary, the available evidence is currently insufficient to determine the role of this variant in disease. Therefore, it has been classified as a Variant of Uncertain Significance.